The following is an entry in ClinVar:

ClinVar aggregate classification (germline): Uncertain significance (1 of 4 stars; one submission).

Conditions:
Inborn genetic diseases. Identifiers: MedGen C0950123, MeSH D030342.

Submission:

Ambry Genetics
Classification: Uncertain significance for Inborn genetic diseases. Last evaluated: 2026-03-29. Review status: criteria provided, single submitter. Criteria: Ambry Variant Classification Scheme 2023. Collection method: clinical testing. Allele origin: germline.
Comment: The p.N1348H variant (also known as c.4042A>C), located in coding exon 1 of the SAMD9L gene, results from an A to C substitution at nucleotide position 4042. The asparagine at codon 1348 is replaced by histidine, an amino acid with similar properties. This amino acid position is conserved. In addition, this alteration is predicted to be tolerated by in silico analysis. Based on the available evidence, the clinical significance of this variant remains unclear.

NM_152703.5(SAMD9L):c.4042A>C (p.Asn1348His)

Gene: SAMD9L (sterile alpha motif domain containing 9 like; minus strand). Cytogenetic location: 7q21.2.
Variant type: single nucleotide variant.
Coding change: c.4042A>C on transcript NM_152703.5 (MANE Select); coding-DNA position 4042, A replaced by C.
Protein change: p.Asn1348His; replaces asparagine 1348 with histidine.
Molecular consequence: missense variant.
Genome position (GRCh38, 1-based): chr7:93,131,930, T>G on the plus strand (A>C on the coding strand, the complement: SAMD9L is on the minus strand). VCF-style: chr7-93131930-T-G. GRCh37 (hg19) VCF-style: chr7-92761243-T-G.
Other names: c.4042A>C, p.Asn1348His (NM_001303496.3, NM_001303497.3, NM_001303498.3 and 5 more transcripts); short protein forms N1348H.
Identifiers: ClinVar variation 4863918 (VCV004863918.1).
Genomic context (GRCh38, chr7:93,131,930, plus strand): 5'-GTAGGAAGGCATATTCATTCACTATACTTTCCATGGTGGTAGCATCTTTGTAGTTTGGAT[T>G]AAGATATTCCAAGAGTCCAGCAAACCTATCTGCTCTCAGAGCTTCTAGCTTTTTCCTGCA-3'
Protein context (NP_689916.2, residues 1338-1358): DRFAGLLEYL[Asn1348His]PNYKDATTME